The following is an entry in ClinVar:

NM_001365480.1(CCDC88A):c.1041G>A (p.Glu347=)

Gene: CCDC88A (coiled-coil and HOOK domain protein 88A; minus strand). Cytogenetic location: 2p16.1.
Variant type: single nucleotide variant.
Coding change: c.1041G>A on transcript NM_001365480.1 (MANE Select); coding-DNA position 1041, G replaced by A.
Protein change: p.Glu347=; no amino-acid change (glutamic acid 347 retained).
Molecular consequence: synonymous variant.
Genome position (GRCh38, 1-based): chr2:55,346,175, C>T on the plus strand (G>A on the coding strand, the complement: CCDC88A is on the minus strand). VCF-style: chr2-55346175-C-T. GRCh37 (hg19) VCF-style: chr2-55573311-C-T.
Other names: c.1041G>A, p.Glu347= (NM_001135597.2, NM_001254943.2, NM_018084.5).
Identifiers: ClinVar variation 2131241 (VCV002131241.4), dbSNP rs770900789, ClinGen allele CA1666235.

ClinVar aggregate classification (germline): Uncertain significance (1 of 4 stars; one submission).

Allele frequency attached by ClinVar (database versions not stated): TOPMed below 0.00001; ExAC 0.00001; gnomAD 0.00001; gnomAD exomes 0.00001.
gnomAD v4.1: 12 of 1,590,334 alleles (0.00075%); highest among the groups gnomAD compares: Admixed American, 0.0017%; no homozygotes.

Submission:

Labcorp Genetics (formerly Invitae), Labcorp
Classification: Uncertain significance. Last evaluated: 2022-04-28. Review status: criteria provided, single submitter. Criteria: Invitae Variant Classification Sherloc (09022015). Collection method: clinical testing. Allele origin: germline.
Comment: This variant has not been reported in the literature in individuals affected with CCDC88A-related conditions. This variant is not present in population databases (gnomAD no frequency). This sequence change affects codon 347 of the CCDC88A mRNA. It is a 'silent' change, meaning that it does not change the encoded amino acid sequence of the CCDC88A protein. This variant also falls at the last nucleotide of exon 10, which is part of the consensus splice site for this exon. Variants that disrupt the consensus splice site are a relatively common cause of aberrant splicing (PMID: 17576681, 9536098). Algorithms developed to predict the effect of sequence changes on RNA splicing suggest that this variant may create or strengthen a splice site. In summary, the available evidence is currently insufficient to determine the role of this variant in disease. Therefore, it has been classified as a Variant of Uncertain Significance.

Literature cited by the submitters: PubMed 17576681; PubMed 9536098.